The following is an entry in ClinVar:

ClinVar aggregate classification (germline): Uncertain significance (1 of 4 stars; one submission).

Submission:

Labcorp Genetics (formerly Invitae), Labcorp
Classification: Uncertain significance. Last evaluated: 2023-01-16. Review status: criteria provided, single submitter. Criteria: Invitae Variant Classification Sherloc (09022015). Collection method: clinical testing. Allele origin: germline.
Comment: In summary, the available evidence is currently insufficient to determine the role of this variant in disease. Therefore, it has been classified as a Variant of Uncertain Significance. Algorithms developed to predict the effect of missense changes on protein structure and function are either unavailable or do not agree on the potential impact of this missense change (SIFT: "Deleterious"; PolyPhen-2: "Possibly Damaging"; Align-GVGD: "Class C0"). This variant has not been reported in the literature in individuals affected with KMT2E-related conditions. This variant is not present in population databases (gnomAD no frequency). This sequence change replaces isoleucine, which is neutral and non-polar, with asparagine, which is neutral and polar, at codon 1803 of the KMT2E protein (p.Ile1803Asn).

NM_182931.3(KMT2E):c.5408T>A (p.Ile1803Asn)

Gene: KMT2E (lysine methyltransferase 2E (inactive); plus strand). Cytogenetic location: 7q22.3.
Variant type: single nucleotide variant.
Coding change: c.5408T>A on transcript NM_182931.3 (MANE Select); coding-DNA position 5408, T replaced by A.
Protein change: p.Ile1803Asn; replaces isoleucine 1803 with asparagine.
Molecular consequence: missense variant.
Genome position (GRCh38, 1-based): chr7:105,113,164, T>A. VCF-style: chr7-105113164-T-A. GRCh37 (hg19) VCF-style: chr7-104753611-T-A.
Other names: c.5282T>A, p.Ile1761Asn (NM_001410908.1); c.5408T>A, p.Ile1803Asn (NM_018682.4); short protein forms I1761N, I1803N.
Identifiers: ClinVar variation 2829251 (VCV002829251.3), dbSNP rs2536529199, ClinGen allele CA368795131.